The following is an entry in ClinVar:

NM_001099922.3(ALG13):c.3241G>A (p.Gly1081Ser)

Gene: ALG13 (ALG13 UDP-N-acetylglucosaminyltransferase subunit; plus strand). Cytogenetic location: Xq23.
Variant type: single nucleotide variant.
Coding change: c.3241G>A on transcript NM_001099922.3 (MANE Select); coding-DNA position 3241, G replaced by A.
Protein change: p.Gly1081Ser; replaces glycine 1081 with serine.
Molecular consequence: missense variant. On other transcripts: non-coding transcript variant (1).
Genome position (GRCh38, 1-based): chrX:111,759,826, G>A. VCF-style: chrX-111759826-G-A. GRCh37 (hg19) VCF-style: chrX-111003054-G-A.
Other names: c.2692G>A, p.Gly898Ser (NM_001257230.2, NM_001257234.2, NM_001257237.2); c.3007G>A, p.Gly1003Ser (NM_001257231.2); c.3004G>A, p.Gly1002Ser (NM_001324292.2); c.2518G>A, p.Gly840Ser (NM_001324293.1); short protein forms G1081S, G898S, G1002S, G1003S, G840S.
Identifiers: ClinVar variation 579505 (VCV000579505.9), dbSNP rs760819207, ClinGen allele CA10494067.
Genomic context (GRCh38, chrX:111,759,826, plus strand): 5'-CCTCATGGAGCAGTCTATTATCCAGTAATGTCAGATCCCTATGGGCAGCCACCTTTGCCA[G>A]GTTTTGACTCCTGCCTTCCGGTTGTGCCAGATTATTCCTGTGTTCCCCCCTGGCATCCAG-3'
Protein context (NP_001093392.1, residues 1071-1091): SDPYGQPPLP[Gly1081Ser]FDSCLPVVPD

ClinVar aggregate classification (germline): Uncertain significance (1 of 4 stars; one submission).

Conditions:
Developmental and epileptic encephalopathy, 36 (DEE36). Also called: ALG13-CDG; Epileptic encephalopathy, early infantile, 36; Congenital disorder of glycosylation, type Is. Identifiers: Orphanet 324422, MedGen C4317295, MONDO:0010472, OMIM 300884.

Allele frequency attached by ClinVar (database versions not stated): gnomAD exomes below 0.00001 and 0.00001; ExAC 0.00001.
gnomAD v4.1: 3 of 1,211,079 alleles (0.00025%); highest among the groups gnomAD compares: Admixed American, 0.0065%; no homozygotes.

Submission:

Labcorp Genetics (formerly Invitae), Labcorp
Classification: Uncertain significance for Developmental and epileptic encephalopathy, 36. Last evaluated: 2025-04-26. Review status: criteria provided, single submitter. Criteria: Invitae Variant Classification Sherloc (09022015). Collection method: clinical testing. Allele origin: germline.
Comment: This sequence change replaces glycine, which is neutral and non-polar, with serine, which is neutral and polar, at codon 1081 of the ALG13 protein (p.Gly1081Ser). The frequency data for this variant in the population databases is considered unreliable, as metrics indicate poor data quality at this position in the gnomAD database. This variant has not been reported in the literature in individuals affected with ALG13-related conditions. ClinVar contains an entry for this variant (Variation ID: 579505). Invitae Evidence Modeling of protein sequence and biophysical properties (such as structural, functional, and spatial information, amino acid conservation, physicochemical variation, residue mobility, and thermodynamic stability) indicates that this missense variant is not expected to disrupt ALG13 protein function with a negative predictive value of 95%. In summary, the available evidence is currently insufficient to determine the role of this variant in disease. Therefore, it has been classified as a Variant of Uncertain Significance.